The following is an entry in ClinVar:

NM_006516.4(SLC2A1):c.1234T>C (p.Trp412Arg)

Gene: SLC2A1 (solute carrier family 2 member 1; minus strand). Cytogenetic location: 1p34.2.
Variant type: single nucleotide variant.
Coding change: c.1234T>C on transcript NM_006516.4 (MANE Select); coding-DNA position 1234, T replaced by C.
Protein change: p.Trp412Arg; replaces tryptophan 412 with arginine.
Molecular consequence: missense variant.
Genome position (GRCh38, 1-based): chr1:42,927,649, A>G on the plus strand (T>C on the coding strand, the complement: SLC2A1 is on the minus strand). VCF-style: chr1-42927649-A-G. GRCh37 (hg19) VCF-style: chr1-43393320-A-G.
Other names: short protein forms W412R.
Identifiers: ClinVar variation 1173043 (VCV001173043.2), dbSNP rs1570590859, ClinGen allele CA339953702.

ClinVar aggregate classification (germline): Pathogenic (1 of 4 stars; one submission).

Submission:

GeneDx
Classification: Pathogenic. Last evaluated: 2026-01-06. Review status: criteria provided, single submitter. Criteria: GeneDx Variant Classification Process June 2021. Collection method: clinical testing. Allele origin: germline. Affected: yes.
Comment: Reported in a patient in published literature with intellectual disability, absence seizures, and paroxysmal movement disorder, but familial segregation information was not provided (PMID: 39830115); Not observed at significant frequency in large population cohorts (gnomAD); In silico analysis supports that this missense variant has a deleterious effect on protein structure/function; This variant is associated with the following publications: (PMID: 39830115)